The following is an entry in ClinVar:

NM_032608.7(MYO18B):c.549dup (p.Ala184fs)

Gene: MYO18B (myosin XVIIIB; plus strand). Cytogenetic location: 22q12.1.
Variant type: Duplication.
Coding change: c.549dup on transcript NM_032608.7 (MANE Select); coding-DNA position 549, one base duplicated (C; older notation c.549dupC).
Protein change: p.Ala184fs; shifts the reading frame from alanine 184.
Molecular consequence: frameshift variant.
Genome position (GRCh38, 1-based): chr22:25,768,465, C duplicated; the last of 6 consecutive C bases (chr22:25,768,460-25,768,465); duplicating any one gives the same sequence. VCF-style (leftmost placement, unchanged base first): chr22-25768459-T-TC. GRCh37 (hg19) VCF-style: chr22-26164426-T-TC.
Other names: c.549dup, p.Ala184fs (NM_001318245.2); short protein forms A184fs.
Identifiers: ClinVar variation 2188997 (VCV002188997.4), dbSNP rs771822497, ClinGen allele CA10159632.

ClinVar aggregate classification (germline): Pathogenic (1 of 4 stars; one submission).

Submission:

Labcorp Genetics (formerly Invitae), Labcorp
Classification: Pathogenic. Last evaluated: 2022-09-14. Review status: criteria provided, single submitter. Criteria: Invitae Variant Classification Sherloc (09022015). Collection method: clinical testing. Allele origin: germline.
Comment: For these reasons, this variant has been classified as Pathogenic. This variant has not been reported in the literature in individuals affected with MYO18B-related conditions. The frequency data for this variant in the population databases is considered unreliable, as metrics indicate poor data quality at this position in the gnomAD database. This sequence change creates a premature translational stop signal (p.Ala184Argfs*14) in the MYO18B gene. It is expected to result in an absent or disrupted protein product. Loss-of-function variants in MYO18B are known to be pathogenic (PMID: 25748484, 32184166, 32637634).

Literature cited by the submitters: PubMed 25748484; PubMed 32184166; PubMed 32637634.